The following is an entry in ClinVar:

ClinVar aggregate classification (germline): Pathogenic (1 of 4 stars; one submission).

Conditions:
Primary ciliary dyskinesia 19. Also called: CILIARY DYSKINESIA, PRIMARY, 19, WITH OR WITHOUT SITUS INVERSUS. Identifiers: Orphanet 244, MedGen C3543826, MONDO:0013979, OMIM 614935.

Submission:

The Research Institute of Tuberculosis, Japan Anti-Tuberculosis Association
Classification: Pathogenic for Primary ciliary dyskinesia 19. Review status: criteria provided, single submitter. Criteria: ACMG/ClinGen CNV Guidelines, 2019. Collection method: research. Allele origin: germline. Inheritance: Autosomal recessive inheritance. Affected: yes. Observed: 1 variant allele, 1 compound heterozygote.
Comment: This variant is a gross deletion of the genomic region encompassing exons 5–11 of the DNAAF11 gene. The deletion is predicted to be out-of-frame, introducing a premature termination codon and likely resulting in an absent or truncated protein product (p.Trp144LysfsTer6). Functional protein domains impacted by this deletion include the LRRcap (amino acids 131–146), coiled-coil domain (178–204), polylysine motif (272–286), and α-crystallin-p23-like domain (332–381) (PMID: 23122589). Loss-of-function is a known pathogenic mechanism in DNAAF11-associated primary ciliary dyskinesia (PMID: 23122589). According to the ACMG/ClinGen structural variant interpretation guidelines (Riggs et al., Genet Med. 2020, PMID: 31690835), this intragenic deletion meets the criteria for pathogenic classification (2E: 0.90 points; 5G: 0.10 points; total = 1.00 point). The patient phenotype is consistent with primary ciliary dyskinesia.

Literature cited by the submitters: PubMed 41062319.

NC_000008.11:g.132577633_132633537del

Gene: DNAAF11 (dynein axonemal assembly factor 11; minus strand). Cytogenetic location: 8q24.22.
Variant type: Deletion.
Identifiers: ClinVar variation 3900047 (VCV003900047.1).